The following is an entry in ClinVar:

ClinVar aggregate classification (germline): Uncertain significance. Review status: criteria provided, multiple submitters, no conflicts (2 of 4 stars). 2 submissions from 2 submitters: Uncertain significance (2). Last evaluated 2023-10-10.

Allele frequency attached by ClinVar (database versions not stated): gnomAD exomes below 0.00001.
gnomAD v4.1: 6 of 1,614,016 alleles (0.00037%); highest among the groups gnomAD compares: Non-Finnish European, 0.00051%; no homozygotes.

Submissions (2):

GeneDx
Classification: Uncertain significance. Last evaluated: 2023-10-10. Review status: criteria provided, single submitter. Criteria: GeneDx Variant Classification Process June 2021. Collection method: clinical testing. Allele origin: germline. Affected: yes.
Comment: Not observed at significant frequency in large population cohorts (gnomAD); In silico analysis supports that this missense variant has a deleterious effect on protein structure/function; Has not been previously published as pathogenic or benign to our knowledge

Eurofins Ntd Llc (ga)
Classification: Uncertain significance. Last evaluated: 2017-10-25. Review status: criteria provided, single submitter. Criteria: EGL Classification Definitions 2015. Collection method: clinical testing. Allele origin: germline. Observed: 1 variant allele, 1 heterozygote.

NM_006493.4(CLN5):c.765C>G (p.Asn255Lys)

Gene: CLN5 (CLN5 intracellular trafficking protein; plus strand). Cytogenetic location: 13q22.3.
Variant type: single nucleotide variant.
Coding change: c.765C>G on transcript NM_006493.4 (MANE Select); coding-DNA position 765, C replaced by G.
Protein change: p.Asn255Lys; replaces asparagine 255 with lysine.
Molecular consequence: missense variant. On other transcripts: 3 prime UTR variant (1).
Genome position (GRCh38, 1-based): chr13:77,000,657, C>G. VCF-style: chr13-77000657-C-G. GRCh37 (hg19) VCF-style: chr13-77574792-C-G.
Other names: c.*214C>G (NM_001366624.2); c.912C>G (NM_006493.2); short protein forms N255K.
Identifiers: ClinVar variation 594572 (VCV000594572.6), dbSNP rs1566221492, ClinGen allele CA388312993.
Genomic context (GRCh38, chr13:77,000,657, plus strand): 5'-GTTAAGGACCTTTAACAAGTTGGCTGAATTTGGAGCAGAGTTCAAGAACATAGAAACCAA[C>G]TATACAAGAATATTTCTTTACAGTGGAGAACCTACTTATCTGGGAAATGAAACATCTGTT-3'
Protein context (NP_006484.2, residues 245-265): FGAEFKNIET[Asn255Lys]YTRIFLYSGE